The following is an entry in ClinVar:

ClinVar aggregate classification (germline): Likely benign (0 of 4 stars; one submission).

Conditions:
GCNT2-related disorder. Also called: GCNT2-related condition.

Allele frequency attached by ClinVar (database versions not stated): ExAC 0.00009; gnomAD 0.00015; 1000 Genomes Project 30x 0.00016; TOPMed 0.00018; ESP Exome Variant Server 0.00031.
gnomAD v4.1: 295 of 1,613,526 alleles (0.018%); highest among the groups gnomAD compares: Non-Finnish European, 0.023%; no homozygotes.

Submission:

PreventionGenetics, part of Exact Sciences
Classification: Likely benign for GCNT2-related condition. Last evaluated: 2021-12-08. Review status: no assertion criteria provided. Collection method: clinical testing. Allele origin: germline.
Comment: This variant is classified as likely benign based on ACMG/AMP sequence variant interpretation guidelines (Richards et al. 2015 PMID: 25741868, with internal and published modifications).

NM_145649.5(GCNT2):c.926-34540C>T

Gene: GCNT2 (glucosaminyl (N-acetyl) transferase 2 (I blood group); plus strand). Cytogenetic location: 6p24.3.
Variant type: single nucleotide variant.
Coding change: c.926-34540C>T on transcript NM_145649.5 (MANE Select); 34540 bases into the intron before coding-DNA position 926, C replaced by T.
Molecular consequence: intron variant. On other transcripts: synonymous variant (1).
Genome position (GRCh38, 1-based): chr6:10,586,811, C>T. VCF-style: chr6-10586811-C-T. GRCh37 (hg19) VCF-style: chr6-10587044-C-T.
Other names: c.822C>T, p.Val274= (NM_145655.4); c.926-34540C>T (NM_001374747.1); c.919+29469C>T (NM_001491.3).
Identifiers: ClinVar variation 3051237 (VCV003051237.2), dbSNP rs137864542, ClinGen allele CA3632298.